The following is an entry in ClinVar:

NM_000557.5(GDF5):c.307G>A (p.Gly103Ser)

Gene: GDF5 (growth differentiation factor 5; minus strand). Cytogenetic location: 20q11.22.
Variant type: single nucleotide variant.
Coding change: c.307G>A on transcript NM_000557.5 (MANE Select); coding-DNA position 307, G replaced by A.
Protein change: p.Gly103Ser; replaces glycine 103 with serine.
Molecular consequence: missense variant.
Genome position (GRCh38, 1-based): chr20:35,437,622, C>T on the plus strand (G>A on the coding strand, the complement: GDF5 is on the minus strand). VCF-style: chr20-35437622-C-T. GRCh37 (hg19) VCF-style: chr20-34025402-C-T.
Other names: c.307G>A (NM_000557.2); c.307G>A, p.Gly103Ser (NM_001319138.2); short protein forms G103S.
Identifiers: ClinVar variation 2973670 (VCV002973670.4), dbSNP rs763209567, ClinGen allele CA9832375.
Genomic context (GRCh38, chr20:35,437,622, plus strand): 5'-TCACAGTCCGGGCTGTAGCCTGCCTTGTTTGGGGAGGGTGTCCTGGCTTGGGTTCAGGGC[C>T]GCCCGGTCTGGGGGGCAGCTTTTTGGGTTCATCCTTCTTGGGCTGTGTCAGGCCTCCTGT-3'
Protein context (NP_000548.2, residues 93-113): EPKKLPPRPG[Gly103Ser]PEPKPGHPPQ

ClinVar aggregate classification (germline): Uncertain significance. Review status: criteria provided, multiple submitters, no conflicts (2 of 4 stars). 2 submissions from 2 submitters: Uncertain significance (2). Last evaluated 2025-04-03.

Conditions:
Inborn genetic diseases. Identifiers: MedGen C0950123, MeSH D030342.

Allele frequency attached by ClinVar (database versions not stated): TOPMed 0.00001; ExAC 0.00002; gnomAD 0.00002; gnomAD exomes 0.00002.
gnomAD v4.1: 29 of 1,613,990 alleles (0.0018%); highest among the groups gnomAD compares: South Asian, 0.016%; 1 homozygote.

Submissions (2):

Ambry Genetics
Classification: Uncertain significance for Inborn genetic diseases. Last evaluated: 2025-04-03. Review status: criteria provided, single submitter. Criteria: Ambry Variant Classification Scheme 2023. Collection method: clinical testing. Allele origin: germline.

Labcorp Genetics (formerly Invitae), Labcorp
Classification: Uncertain significance. Last evaluated: 2024-09-24. Review status: criteria provided, single submitter. Criteria: Invitae Variant Classification Sherloc (09022015). Collection method: clinical testing. Allele origin: germline.
Comment: This sequence change replaces glycine, which is neutral and non-polar, with serine, which is neutral and polar, at codon 103 of the GDF5 protein (p.Gly103Ser). This variant is present in population databases (rs763209567, gnomAD 0.006%). This variant has not been reported in the literature in individuals affected with GDF5-related conditions. An algorithm developed to predict the effect of missense changes on protein structure and function outputs the following: PolyPhen-2: "Benign". The serine amino acid residue is found in multiple mammalian species, which suggests that this missense change does not adversely affect protein function. In summary, the available evidence is currently insufficient to determine the role of this variant in disease. Therefore, it has been classified as a Variant of Uncertain Significance.